The following is an entry in ClinVar:

NM_001197104.2(KMT2A):c.9921del (p.Ser3308fs)

Gene: KMT2A (lysine methyltransferase 2A; plus strand). Cytogenetic location: 11q23.3.
Variant type: Deletion.
Coding change: c.9921del on transcript NM_001197104.2 (MANE Select); coding-DNA position 9921, one base deleted (G; older notation c.9921delG).
Protein change: p.Ser3308fs; shifts the reading frame from serine 3308.
Molecular consequence: frameshift variant.
Genome position (GRCh38, 1-based): chr11:118,505,813, G deleted. VCF-style (leftmost placement, unchanged base first): chr11-118505812-AG-A. GRCh37 (hg19) VCF-style: chr11-118376527-AG-A.
Other names: c.9912del, p.Ser3305fs (NM_005933.4); short protein forms S3305fs, S3308fs.
Identifiers: ClinVar variation 817913 (VCV000817913.1), dbSNP rs1591285545, ClinGen allele CA915947764.
Genomic context (GRCh38, chr11:118,505,812, plus strand): 5'-ACATCATAAAAAGATCTAAATCTAGCATCATGTATTTTGAACCGGCACCCCTGTTACCAC[AG>A]AGTGTGGGAGGAACTGCTGCCACAGCGGCAGGCACATCAACAATAAGCCAGGATACTAGC-3'

ClinVar aggregate classification (germline): Pathogenic (1 of 4 stars; one submission).

Submission:

GeneDx
Classification: Pathogenic. Last evaluated: 2018-12-05. Review status: criteria provided, single submitter. Criteria: GeneDx Variant Classification (06012015). Collection method: clinical testing. Allele origin: germline. Affected: yes.
Comment: The c.9921delG variant in the KMT2A gene has not been reported previously as a pathogenic variant nor as a benign variant, to our knowledge. The c.9921delG variant causes a frameshift starting with codon Serine 3308, changes this amino acid to a Valine residue, and creates a premature Stop codon at position 15 of the new reading frame, denoted p.Ser3308ValfsX15. This variant is predicted to cause loss of normal protein function either through protein truncation or nonsense-mediated mRNA decay. The c.9921delG variant is not observed in large population cohorts (Lek et al., 2016). We interpret c.9921delG as a pathogenic variant